The following is an entry in ClinVar:

NM_003000.3(SDHB):c.485A>T (p.Glu162Val)

Gene: SDHB (succinate dehydrogenase complex iron sulfur subunit B; minus strand). Cytogenetic location: 1p36.13.
Variant type: single nucleotide variant.
Coding change: c.485A>T on transcript NM_003000.3 (MANE Select); coding-DNA position 485, A replaced by T.
Protein change: p.Glu162Val; replaces glutamic acid 162 with valine.
Molecular consequence: missense variant.
Genome position (GRCh38, 1-based): chr1:17,027,804, T>A on the plus strand (A>T on the coding strand, the complement: SDHB is on the minus strand). VCF-style: chr1-17027804-T-A. GRCh37 (hg19) VCF-style: chr1-17354299-T-A.
Other names: c.431A>T, p.Glu144Val (NM_001407361.1); short protein forms E144V, E162V.
Identifiers: ClinVar variation 2496765 (VCV002496765.2), dbSNP rs2525017726, ClinGen allele CA338272770.

ClinVar aggregate classification (germline): Uncertain significance (1 of 4 stars; one submission).

Conditions:
Hereditary cancer-predisposing syndrome. Also called: Neoplastic Syndromes, Hereditary; Hereditary neoplastic syndrome; Tumor predisposition; Hereditary Cancer Syndrome. Identifiers: Orphanet 140162, MedGen C0027672, MeSH D009386, MONDO:0015356.

Submission:

Ambry Genetics
Classification: Uncertain significance for Hereditary cancer-predisposing syndrome. Last evaluated: 2023-01-16. Review status: criteria provided, single submitter. Criteria: Ambry Variant Classification Scheme 2023. Collection method: clinical testing. Allele origin: germline.
Comment: The p.E162V variant (also known as c.485A>T), located in coding exon 5 of the SDHB gene, results from an A to T substitution at nucleotide position 485. The glutamic acid at codon 162 is replaced by valine, an amino acid with dissimilar properties. This amino acid position is conserved. In addition, this alteration is predicted to be deleterious by in silico analysis. Since supporting evidence is limited at this time, the clinical significance of this alteration remains unclear.